The following is an entry in ClinVar:

NM_001243177.4(ALDOA):c.322G>A (p.Glu108Lys)

Genes: ALDOA (aldolase, fructose-bisphosphate A; plus strand), LOC112694756 (uncharaterized LOC112694756; plus strand). Cytogenetic location: 16p11.2.
Variant type: single nucleotide variant.
Coding change: c.322G>A on transcript NM_001243177.4 (MANE Select); coding-DNA position 322, G replaced by A.
Protein change: p.Glu108Lys; replaces glutamic acid 108 with lysine.
Molecular consequence: missense variant. On other transcripts: 3 prime UTR variant (3).
Genome position (GRCh38, 1-based): chr16:30,067,497, G>A. VCF-style: chr16-30067497-G-A. GRCh37 (hg19) VCF-style: chr16-30078818-G-A.
Other names: p.Glu54Lys; c.*669G>A (NM_001365304.2, NM_001365305.2, NM_001365307.2); c.160G>A, p.Glu54Lys (NM_001127617.2, NM_184041.5, NM_184043.2); c.160G>A (NM_184041.4); short protein forms E108K, E54K.
Identifiers: ClinVar variation 1679477 (VCV001679477.13), dbSNP rs199852002, ClinGen allele CA8000886.
Genomic context (GRCh38, chr16:30,067,497, plus strand): 5'-GTGACACTCCCAGGGAGCATTGCCAAGCGGCTGCAGTCCATTGGCACCGAGAACACCGAG[G>A]AGAACCGGCGCTTCTACCGCCAGCTGCTGCTGACAGCTGACGACCGCGTGAACCCCTGCA-3'
Protein context (NP_001230106.1, residues 98-118): LQSIGTENTE[Glu108Lys]NRRFYRQLLL

ClinVar aggregate classification (germline): Uncertain significance. Review status: criteria provided, multiple submitters, no conflicts (2 of 4 stars). 4 submissions from 4 submitters: Uncertain significance (4). Last evaluated 2025-08-18.

Conditions:
HNSHA due to aldolase A deficiency (GSD12). Also called: GLYCOGEN STORAGE DISEASE XII; GSD XII; Glycogen storage disease due to aldolase A deficiency; RED CELL ALDOLASE DEFICIENCY. Identifiers: Orphanet 57, MedGen C0272066, MONDO:0012747, OMIM 611881.

Allele frequency attached by ClinVar (database versions not stated): TOPMed below 0.00001; gnomAD 0.00001; ExAC 0.00002; gnomAD exomes 0.00002; ESP Exome Variant Server 0.00008; 1000 Genomes Project 30x 0.00016; 1000 Genomes Project 0.00020.
gnomAD v4.1: 42 of 1,613,712 alleles (0.0026%); highest among the groups gnomAD compares: Non-Finnish European, 0.0034%; no homozygotes.

Submissions (4):

Labcorp Genetics (formerly Invitae), Labcorp
Classification: Uncertain significance for HNSHA due to aldolase A deficiency. Last evaluated: 2025-08-18. Review status: criteria provided, single submitter. Criteria: Invitae Variant Classification Sherloc (09022015). Collection method: clinical testing. Allele origin: germline.
Comment: This sequence change replaces glutamic acid, which is acidic and polar, with lysine, which is basic and polar, at codon 54 of the ALDOA protein (p.Glu54Lys). This variant is present in population databases (rs199852002, gnomAD 0.006%). This variant has not been reported in the literature in individuals affected with ALDOA-related conditions. ClinVar contains an entry for this variant (Variation ID: 1679477). An algorithm developed to predict the effect of missense changes on protein structure and function (PolyPhen-2) suggests that this variant is likely to be tolerated. In summary, the available evidence is currently insufficient to determine the role of this variant in disease. Therefore, it has been classified as a Variant of Uncertain Significance.

Mayo Clinic Laboratories, Mayo Clinic
Classification: Uncertain significance. Last evaluated: 2024-09-19. Review status: criteria provided, single submitter. Criteria: ACMG Guidelines, 2015. Collection method: clinical testing. Allele origin: germline. Observed: 1 variant allele.
Comment: PM2

Blueprint Genetics
Classification: Uncertain significance. Last evaluated: 2024-08-02. Review status: criteria provided, single submitter. Criteria: ACMG Guidelines, 2015. Collection method: clinical testing. Allele origin: germline.

ARUP Laboratories, Molecular Genetics and Genomics, ARUP Laboratories
Classification: Uncertain significance for HNSHA due to aldolase A deficiency. Last evaluated: 2022-01-28. Review status: criteria provided, single submitter. Criteria: ARUP Molecular Germline Variant Investigation Process 2021. Collection method: clinical testing. Allele origin: germline.